The following is an entry in ClinVar:

ClinVar aggregate classification (germline): Uncertain significance (1 of 4 stars; one submission).

Conditions:
Charcot-Marie-Tooth disease axonal type 2O. Also called: CHARCOT-MARIE-TOOTH NEUROPATHY, AXONAL, TYPE 2O; CHARCOT-MARIE-TOOTH DISEASE, AXONAL, AUTOSOMAL DOMINANT, TYPE 2O; Charcot-Marie-Tooth Neuropathy Type 2O; Charcot-Marie-Tooth disease, axonal, type 20. Identifiers: Orphanet 284232, MedGen C3280220, MONDO:0013644, OMIM 614228.

Submission:

Labcorp Genetics (formerly Invitae), Labcorp
Classification: Uncertain significance for Charcot-Marie-Tooth disease axonal type 2O. Last evaluated: 2025-06-24. Review status: criteria provided, single submitter. Criteria: Invitae Variant Classification Sherloc (09022015). Collection method: clinical testing. Allele origin: germline.
Comment: This sequence change replaces glycine, which is neutral and non-polar, with serine, which is neutral and polar, at codon 1007 of the DYNC1H1 protein (p.Gly1007Ser). This variant is not present in population databases (gnomAD no frequency). This variant has not been reported in the literature in individuals affected with DYNC1H1-related conditions. Invitae Evidence Modeling of protein sequence and biophysical properties (such as structural, functional, and spatial information, amino acid conservation, physicochemical variation, residue mobility, and thermodynamic stability) indicates that this missense variant is not expected to disrupt DYNC1H1 protein function with a negative predictive value of 95%. In summary, the available evidence is currently insufficient to determine the role of this variant in disease. Therefore, it has been classified as a Variant of Uncertain Significance.

NM_001376.5(DYNC1H1):c.3019G>A (p.Gly1007Ser)

Gene: DYNC1H1 (dynein cytoplasmic 1 heavy chain 1; plus strand). Cytogenetic location: 14q32.31.
Variant type: single nucleotide variant.
Coding change: c.3019G>A on transcript NM_001376.5 (MANE Select); coding-DNA position 3019, G replaced by A.
Protein change: p.Gly1007Ser; replaces glycine 1007 with serine.
Molecular consequence: missense variant.
Genome position (GRCh38, 1-based): chr14:101,994,187, G>A. VCF-style: chr14-101994187-G-A. GRCh37 (hg19) VCF-style: chr14-102460524-G-A.
Other names: short protein forms G1007S.
Identifiers: ClinVar variation 4805979 (VCV004805979.1).